The following is an entry in ClinVar:

NM_000532.5(PCCB):c.304-16dup

Gene: PCCB (propionyl-CoA carboxylase subunit beta; plus strand). Cytogenetic location: 3q22.3.
Variant type: Duplication.
Coding change: c.304-16dup on transcript NM_000532.5 (MANE Select); 16 bases into the intron before coding-DNA position 304, one base duplicated (T; older notation c.304-16dupT).
Molecular consequence: intron variant.
Genome position (GRCh38, 1-based): chr3:136,256,539, T duplicated; the last of 5 consecutive T bases (chr3:136,256,535-136,256,539); duplicating any one gives the same sequence. VCF-style (leftmost placement, unchanged base first): chr3-136256534-A-AT. GRCh37 (hg19) VCF-style: chr3-135975376-A-AT.
Other names: c.304-16dup (NM_001178014.2); c.304-16dupT (NM_000532.4).
Identifiers: ClinVar variation 515736 (VCV000515736.1), dbSNP rs555567135, ClinGen allele CA2631676.

ClinVar aggregate classification (germline): Likely benign (1 of 4 stars; one submission).

Submission:

GeneDx
Classification: Likely benign. Last evaluated: 2018-03-02. Review status: criteria provided, single submitter. Criteria: GeneDx Variant Classification (06012015). Collection method: clinical testing. Allele origin: germline. Affected: yes.
Comment: This variant is considered likely benign or benign based on one or more of the following criteria: it is a conservative change, it occurs at a poorly conserved position in the protein, it is predicted to be benign by multiple in silico algorithms, and/or has population frequency not consistent with disease.